The following is an entry in ClinVar:

ClinVar aggregate classification (germline): Uncertain significance (1 of 4 stars; one submission).

Conditions:
Hypoplastic left heart syndrome. Also called: Hypoplastic left ventricle; Hypoplastic left heart. Identifiers: Orphanet 2248, MedGen C0152101, MONDO:0004933, HP:0004383.

gnomAD v4.1: 19 of 1,614,114 alleles (0.0012%); highest among the groups gnomAD compares: Non-Finnish European, 0.0015%; no homozygotes.

Submission:

Labcorp Genetics (formerly Invitae), Labcorp
Classification: Uncertain significance for Hypoplastic left heart syndrome. Last evaluated: 2025-12-06. Review status: criteria provided, single submitter. Criteria: Invitae Variant Classification Sherloc (09022015). Collection method: clinical testing. Allele origin: germline.
Comment: This sequence change replaces arginine, which is basic and polar, with leucine, which is neutral and non-polar, at codon 137 of the HAND1 protein (p.Arg137Leu). The frequency data for this variant in the population databases is considered unreliable, as metrics indicate poor data quality at this position in the gnomAD database. This variant has not been reported in the literature in individuals affected with HAND1-related conditions. ClinVar contains an entry for this variant (Variation ID: 3719347). An algorithm developed to predict the effect of missense changes on protein structure and function (PolyPhen-2) suggests that this variant is likely to be disruptive. In summary, the available evidence is currently insufficient to determine the role of this variant in disease. Therefore, it has been classified as a Variant of Uncertain Significance.

NM_004821.3(HAND1):c.410G>T (p.Arg137Leu)

Gene: HAND1 (heart and neural crest derivatives expressed 1; minus strand). Cytogenetic location: 5q33.2.
Variant type: single nucleotide variant.
Coding change: c.410G>T on transcript NM_004821.3 (MANE Select); coding-DNA position 410, G replaced by T.
Protein change: p.Arg137Leu; replaces arginine 137 with leucine.
Molecular consequence: missense variant.
Genome position (GRCh38, 1-based): chr5:154,477,599, C>A on the plus strand (G>T on the coding strand, the complement: HAND1 is on the minus strand). VCF-style: chr5-154477599-C-A. GRCh37 (hg19) VCF-style: chr5-153857159-C-A.
Other names: short protein forms R137L.
Identifiers: ClinVar variation 3719347 (VCV003719347.2).